The following is an entry in ClinVar:

ClinVar aggregate classification (germline): Uncertain significance (1 of 4 stars; one submission).

Conditions:
Multiple endocrine neoplasia, type 1 (MEN1). Also called: MEA I; MEN I; WERMER SYNDROME; Endocrine adenomatosis multiple; MEN 1. Identifiers: Orphanet 652, MedGen C0025267, MeSH D018761, MONDO:0007540, OMIM 131100.

Submission:

Dasa
Classification: Uncertain significance for Multiple endocrine neoplasia, type 1. Last evaluated: 2025-10-30. Review status: criteria provided, single submitter. Criteria: DASA Assertion Criteria. Collection method: clinical testing. Allele origin: germline.
Comment: NM_001370251.1(MEN1):c.1050_1054del (p.Glu350Aspfs*34) is a frameshift variant in MEN1 predicted to alter the reading frame and introduce a premature termination codon. This variant is rare in population databases. The currently available literature and clinical evidence are not sufficient to establish a definitive association between this variant and the reported condition. Therefore, this variant is classified as a variant of uncertain significance.

NM_001370259.2(MEN1):c.1049+219_1049+223del

Gene: MEN1 (menin 1; minus strand). Cytogenetic location: 11q13.1.
Variant type: Deletion.
Coding change: c.1049+219_1049+223del on transcript NM_001370259.2 (MANE Select); bases 219 to 223 of the intron after coding-DNA position 1049, 5 bases deleted (AACAG; older notation c.1049+219_1049+223delAACAG).
Molecular consequence: intron variant.
Genome position (GRCh38, 1-based): chr11:64,806,009-64,806,013, CTGTT deleted on the plus strand (AACAG on the coding strand, the reverse complement: MEN1 is on the minus strand); deleting any 5 consecutive bases within chr11:64,806,009-64,806,016 gives the same sequence; the c. name uses the placement nearest the transcript's 3' end. VCF-style (leftmost placement, unchanged base first): chr11-64806008-ACTGTT-A. GRCh37 (hg19) VCF-style: chr11-64573480-ACTGTT-A.
Other names: c.1064+219_1064+223del (NM_130804.3, NM_130803.3, NM_000244.4 and 4 more transcripts); c.944+219_944+223del (NM_001407148.1, NM_001407149.1, NM_001370263.2 and 1 more transcripts); c.1049+219_1049+223del (NM_130799.3, NM_001370260.2, NM_001407152.1 and 3 more transcripts).
Identifiers: ClinVar variation 4886345 (VCV004886345.2).